The following is an entry in ClinVar:

ClinVar aggregate classification (germline): Conflicting classifications of pathogenicity. Review status: criteria provided, conflicting classifications (1 of 4 stars). 2 submissions from 2 submitters: Uncertain significance (1); Likely benign (1). Last evaluated 2023-03-23.

Conditions:
Hereditary cancer-predisposing syndrome. Also called: Neoplastic Syndromes, Hereditary; Tumor predisposition; Hereditary Cancer Syndrome; Hereditary neoplastic syndrome. Identifiers: Orphanet 140162, MedGen C0027672, MeSH D009386, MONDO:0015356.

Submissions (2):

University of Washington Department of Laboratory Medicine, University of Washington
Classification: Likely benign for Hereditary cancer-predisposing syndrome. Last evaluated: 2023-03-23. Review status: criteria provided, single submitter. Criteria: Dines et al. (Genet Med. 2020). Collection method: curation. Allele origin: germline.
Comment: Missense variant in a coldspot region where missense variants are very unlikely to be pathogenic (PMID:31911673).

BRCA1 coldspot (exon 11 using historical exon numbering). Reclassification based on statistical prior probability

Ambry Genetics
Classification: Uncertain significance for Hereditary cancer-predisposing syndrome. Last evaluated: 2021-11-09. Review status: criteria provided, single submitter. Criteria: Ambry Variant Classification Scheme 2023. Collection method: clinical testing. Allele origin: germline.
Comment: The p.T688R variant (also known as c.2063C>G), located in coding exon 9 of the BRCA1 gene, results from a C to G substitution at nucleotide position 2063. The threonine at codon 688 is replaced by arginine, an amino acid with similar properties. This amino acid position is conserved. In addition, the in silico prediction for this alteration is inconclusive. Since supporting evidence is limited at this time, the clinical significance of this alteration remains unclear.

NM_007294.4(BRCA1):c.2063C>G (p.Thr688Arg)

Gene: BRCA1 (BRCA1 DNA repair associated; minus strand). Cytogenetic location: 17q21.31.
Variant type: single nucleotide variant.
Coding change: c.2063C>G on transcript NM_007294.4 (MANE Select); coding-DNA position 2063, C replaced by G.
Protein change: p.Thr688Arg; replaces threonine 688 with arginine.
Molecular consequence: missense variant. On other transcripts: intron variant (137).
Genome position (GRCh38, 1-based): chr17:43,093,468, G>C on the plus strand (C>G on the coding strand, the complement: BRCA1 is on the minus strand). VCF-style: chr17-43093468-G-C. GRCh37 (hg19) VCF-style: chr17-41245485-G-C.
Other names: c.1922C>G, p.Thr641Arg (NM_001407698.1, NM_001407724.1, NM_001407725.1 and 29 more transcripts); c.1850C>G, p.Thr617Arg (NM_001407571.1, NM_001407853.1, NM_001407894.1 and 9 more transcripts); c.2063C>G, p.Thr688Arg (NM_001407581.1, NM_001407582.1, NM_001407583.1 and 30 more transcripts); c.2060C>G, p.Thr687Arg (NM_001407587.1, NM_001407590.1, NM_001407591.1 and 22 more transcripts); c.2054C>G, p.Thr685Arg (NM_001407646.1, NM_001407647.1); c.1940C>G, p.Thr647Arg (NM_001407648.1, NM_001407664.1, NM_001407665.1 and 19 more transcripts); c.1937C>G, p.Thr646Arg (NM_001407649.1, NM_001407670.1, NM_001407671.1 and 11 more transcripts); c.1985C>G, p.Thr662Arg (NM_001407653.1, NM_001407654.1, NM_001407655.1 and 4 more transcripts); and 40 more; short protein forms T392R, T560R, T662R, T688R, T561R, T576R, T618R, T646R.
Identifiers: ClinVar variation 1785257 (VCV001785257.4), dbSNP rs2053834652, ClinGen allele CA10597875.